The following is an entry in ClinVar:

NM_014014.5(SNRNP200):c.2882C>T (p.Ala961Val)

Gene: SNRNP200 (small nuclear ribonucleoprotein U5 subunit 200; minus strand). Cytogenetic location: 2q11.2.
Variant type: single nucleotide variant.
Coding change: c.2882C>T on transcript NM_014014.5 (MANE Select); coding-DNA position 2882, C replaced by T.
Protein change: p.Ala961Val; replaces alanine 961 with valine.
Molecular consequence: missense variant.
Genome position (GRCh38, 1-based): chr2:96,289,857, G>A on the plus strand (C>T on the coding strand, the complement: SNRNP200 is on the minus strand). VCF-style: chr2-96289857-G-A. GRCh37 (hg19) VCF-style: chr2-96955595-G-A.
Other names: short protein forms A961V.
Identifiers: ClinVar variation 2966408 (VCV002966408.3), dbSNP rs761750406, ClinGen allele CA1778602.

ClinVar aggregate classification (germline): Uncertain significance (1 of 4 stars; one submission).

Allele frequency attached by ClinVar (database versions not stated): gnomAD exomes below 0.00001; ExAC 0.00001.
gnomAD v4.1: 2 of 1,614,188 alleles (0.00012%); highest among the groups gnomAD compares: Admixed American, 0.0017%; no homozygotes.

Submission:

Labcorp Genetics (formerly Invitae), Labcorp
Classification: Uncertain significance. Last evaluated: 2023-05-25. Review status: criteria provided, single submitter. Criteria: Invitae Variant Classification Sherloc (09022015). Collection method: clinical testing. Allele origin: germline.
Comment: This variant has not been reported in the literature in individuals affected with SNRNP200-related conditions. This variant is present in population databases (rs761750406, gnomAD 0.003%). This sequence change replaces alanine, which is neutral and non-polar, with valine, which is neutral and non-polar, at codon 961 of the SNRNP200 protein (p.Ala961Val). Advanced modeling of protein sequence and biophysical properties (such as structural, functional, and spatial information, amino acid conservation, physicochemical variation, residue mobility, and thermodynamic stability) performed at Invitae indicates that this missense variant is expected to disrupt SNRNP200 protein function. In summary, the available evidence is currently insufficient to determine the role of this variant in disease. Therefore, it has been classified as a Variant of Uncertain Significance.